The following is an entry in ClinVar:

ClinVar aggregate classification (germline): Uncertain significance. Review status: criteria provided, multiple submitters, no conflicts (2 of 4 stars). 3 submissions from 3 submitters: Uncertain significance (3). Last evaluated 2022-05-09.

Conditions:
Inborn genetic diseases. Identifiers: MedGen C0950123, MeSH D030342.
Hereditary sensory and autonomic neuropathy type 7. Also called: Neuropathy, hereditary sensory and autonomic, type VII; HSAN VII. Identifiers: Orphanet 391397, MedGen C3809882, MONDO:0014244, OMIM 615548.
Familial episodic pain syndrome with predominantly lower limb involvement. Also called: Episodic pain syndrome, familial, 3. Identifiers: Orphanet 391384, Orphanet 391392, MedGen C3809899, MONDO:0014247, OMIM 615552.

Allele frequency attached by ClinVar (database versions not stated): gnomAD exomes below 0.00001; gnomAD 0.00001; TOPMed 0.00001.
gnomAD v4.1: 5 of 1,607,028 alleles (0.00031%); highest among the groups gnomAD compares: African/African-American, 0.004%; no homozygotes.

Submissions (3):

GeneDx
Classification: Uncertain significance. Last evaluated: 2022-05-09. Review status: criteria provided, single submitter. Criteria: GeneDx Variant Classification Process June 2021. Collection method: clinical testing. Allele origin: germline. Affected: yes.
Comment: In silico analysis supports that this missense variant has a deleterious effect on protein structure/function; Has not been previously published as pathogenic or benign to our knowledge

Ambry Genetics
Classification: Uncertain significance for Inborn genetic diseases. Last evaluated: 2021-10-27. Review status: criteria provided, single submitter. Criteria: Ambry Variant Classification Scheme 2023. Collection method: clinical testing. Allele origin: germline.

Labcorp Genetics (formerly Invitae), Labcorp
Classification: Uncertain significance for Familial episodic pain syndrome with predominantly lower limb involvement; Hereditary sensory and autonomic neuropathy type 7. Last evaluated: 2021-04-19. Review status: criteria provided, single submitter. Criteria: Invitae Variant Classification Sherloc (09022015). Collection method: clinical testing. Allele origin: germline.
Comment: In summary, the available evidence is currently insufficient to determine the role of this variant in disease. Therefore, it has been classified as a Variant of Uncertain Significance. Algorithms developed to predict the effect of missense changes on protein structure and function (SIFT, PolyPhen-2, Align-GVGD) all suggest that this variant is likely to be disruptive, but these predictions have not been confirmed by published functional studies and their clinical significance is uncertain. This variant has not been reported in the literature in individuals with SCN11A-related conditions. This variant is not present in population databases (ExAC no frequency). This sequence change replaces alanine with valine at codon 1249 of the SCN11A protein (p.Ala1249Val). The alanine residue is highly conserved and there is a small physicochemical difference between alanine and valine.

NM_001349253.2(SCN11A):c.3746C>T (p.Ala1249Val)

Genes: SCN11A (sodium voltage-gated channel alpha subunit 11; minus strand), LOC126806652 (CDK7 strongly-dependent group 2 enhancer GRCh37_chr3:38912374-38913573; plus strand). Cytogenetic location: 3p22.2.
Variant type: single nucleotide variant.
Coding change: c.3746C>T on transcript NM_001349253.2 (MANE Select); coding-DNA position 3746, C replaced by T.
Protein change: p.Ala1249Val; replaces alanine 1249 with valine.
Molecular consequence: missense variant.
Genome position (GRCh38, 1-based): chr3:38,871,458, G>A on the plus strand (C>T on the coding strand, the complement: SCN11A is on the minus strand). VCF-style: chr3-38871458-G-A. GRCh37 (hg19) VCF-style: chr3-38912949-G-A.
Other names: c.3746C>T, p.Ala1249Val (NM_014139.3); short protein forms A1249V.
Identifiers: ClinVar variation 1503941 (VCV001503941.11), dbSNP rs1360698576, ClinGen allele CA352170346.